The following is an entry in ClinVar:

NM_004984.4(KIF5A):c.2159A>T (p.Glu720Val)

Gene: KIF5A (kinesin family member 5A; plus strand). Cytogenetic location: 12q13.3.
Variant type: single nucleotide variant.
Coding change: c.2159A>T on transcript NM_004984.4 (MANE Select); coding-DNA position 2159, A replaced by T.
Protein change: p.Glu720Val; replaces glutamic acid 720 with valine.
Molecular consequence: missense variant.
Genome position (GRCh38, 1-based): chr12:57,576,339, A>T. VCF-style: chr12-57576339-A-T. GRCh37 (hg19) VCF-style: chr12-57970122-A-T.
Other names: c.1892A>T, p.Glu631Val (NM_001354705.2); short protein forms E720V, E631V.
Identifiers: ClinVar variation 1489650 (VCV001489650.6), dbSNP rs2140168286, ClinGen allele CA385511342.

ClinVar aggregate classification (germline): Uncertain significance (1 of 4 stars; one submission).

Conditions:
Spastic paraplegia. Identifiers: MedGen C0037772, HP:0001258.

Submission:

Labcorp Genetics (formerly Invitae), Labcorp
Classification: Uncertain significance for Spastic paraplegia. Last evaluated: 2021-12-03. Review status: criteria provided, single submitter. Criteria: Invitae Variant Classification Sherloc (09022015). Collection method: clinical testing. Allele origin: germline.
Comment: This variant has not been reported in the literature in individuals affected with KIF5A-related conditions. Algorithms developed to predict the effect of missense changes on protein structure and function (SIFT, PolyPhen-2, Align-GVGD) all suggest that this variant is likely to be disruptive. In summary, the available evidence is currently insufficient to determine the role of this variant in disease. Therefore, it has been classified as a Variant of Uncertain Significance. This variant is not present in population databases (gnomAD no frequency). This sequence change replaces glutamic acid, which is acidic and polar, with valine, which is neutral and non-polar, at codon 720 of the KIF5A protein (p.Glu720Val).